The following is an entry in ClinVar:

NM_015915.5(ATL1):c.935T>C (p.Ile312Thr)

Gene: ATL1 (atlastin GTPase 1; plus strand). Cytogenetic location: 14q22.1.
Variant type: single nucleotide variant.
Coding change: c.935T>C on transcript NM_015915.5 (MANE Select); coding-DNA position 935, T replaced by C.
Protein change: p.Ile312Thr; replaces isoleucine 312 with threonine.
Molecular consequence: missense variant.
Genome position (GRCh38, 1-based): chr14:50,620,671, T>C. VCF-style: chr14-50620671-T-C. GRCh37 (hg19) VCF-style: chr14-51087389-T-C.
Other names: c.935T>C, p.Ile312Thr (NM_001127713.1, NM_181598.4); short protein forms I312T.
Identifiers: ClinVar variation 3709115 (VCV003709115.2).
Genomic context (GRCh38, chr14:50,620,671, plus strand): 5'-AATTCATCAAAAACTTGAAAATACTGATTCCTTGGCTACTTAGTCCCGAGAGCCTAGATA[T>C]TAAAGAGATCAATGGGAATAAAATCACCTGCCGGGGTCTGGTGGAGTACTTCAAGGTATC-3'
Protein context (NP_056999.2, residues 302-322): PWLLSPESLD[Ile312Thr]KEINGNKITC

ClinVar aggregate classification (germline): Uncertain significance (1 of 4 stars; one submission).

Conditions:
Hereditary spastic paraplegia 3A (SPG3A). Also called: SPASTIC PARAPLEGIA 3, AUTOSOMAL DOMINANT; FAMILIAL SPASTIC PARAPLEGIA, AUTOSOMAL DOMINANT, 1; SPG3; STRUMPELL DISEASE; Spastic Paraplegia 3A; Spastic paraplegia 3A, autosomal dominant. Identifiers: Orphanet 100984, MedGen C2931355, MONDO:0008437, OMIM 182600.

Submission:

Labcorp Genetics (formerly Invitae), Labcorp
Classification: Uncertain significance for Hereditary spastic paraplegia 3A. Last evaluated: 2024-08-31. Review status: criteria provided, single submitter. Criteria: Invitae Variant Classification Sherloc (09022015). Collection method: clinical testing. Allele origin: germline.
Comment: This sequence change replaces isoleucine, which is neutral and non-polar, with threonine, which is neutral and polar, at codon 312 of the ATL1 protein (p.Ile312Thr). This variant is not present in population databases (gnomAD no frequency). This missense change has been observed in individual(s) with ATL1-related conditions (PMID: 30780198). Invitae Evidence Modeling of protein sequence and biophysical properties (such as structural, functional, and spatial information, amino acid conservation, physicochemical variation, residue mobility, and thermodynamic stability) indicates that this missense variant is not expected to disrupt ATL1 protein function with a negative predictive value of 80%. In summary, the available evidence is currently insufficient to determine the role of this variant in disease. Therefore, it has been classified as a Variant of Uncertain Significance.

Literature cited by the submitters: PubMed 30780198.